The following is an entry in ClinVar:

ClinVar aggregate classification (germline): Uncertain significance. Review status: criteria provided, multiple submitters, no conflicts (2 of 4 stars). 2 submissions from 2 submitters: Uncertain significance (2). Last evaluated 2022-03-29.

Conditions:
Primary ciliary dyskinesia. Also called: Ciliary dyskinesia. Identifiers: Orphanet 244, MedGen C0008780, MONDO:0016575, HP:0012265.

Allele frequency attached by ClinVar (database versions not stated): ExAC 0.00001; gnomAD exomes 0.00001; TOPMed 0.00008.
gnomAD v4.1: 26 of 1,612,504 alleles (0.0016%); highest among the groups gnomAD compares: Non-Finnish European, 0.0016%; no homozygotes.

Submissions (2):

Labcorp Genetics (formerly Invitae), Labcorp
Classification: Uncertain significance for Primary ciliary dyskinesia. Last evaluated: 2022-03-29. Review status: criteria provided, single submitter. Criteria: Invitae Variant Classification Sherloc (09022015). Collection method: clinical testing. Allele origin: germline.
Comment: This sequence change falls in intron 12 of the CCDC40 gene. It does not directly change the encoded amino acid sequence of the CCDC40 protein. It affects a nucleotide within the consensus splice site. This variant is present in population databases (rs771945655, gnomAD 0.003%). This variant has not been reported in the literature in individuals affected with CCDC40-related conditions. Variants that disrupt the consensus splice site are a relatively common cause of aberrant splicing (PMID: 17576681, 9536098). Algorithms developed to predict the effect of sequence changes on RNA splicing suggest that this variant may disrupt the consensus splice site. In summary, the available evidence is currently insufficient to determine the role of this variant in disease. Therefore, it has been classified as a Variant of Uncertain Significance.

Blueprint Genetics
Classification: Uncertain significance. Last evaluated: 2020-12-29. Review status: criteria provided, single submitter. Criteria: ACMG Guidelines, 2015. Collection method: clinical testing. Allele origin: germline.

Literature cited by the submitters: PubMed 17576681 (cited by Labcorp Genetics (formerly Invitae), Labcorp); PubMed 9536098 (cited by Labcorp Genetics (formerly Invitae), Labcorp).

NM_017950.4(CCDC40):c.1989+5G>A

Gene: CCDC40 (coiled-coil domain 40 molecular ruler complex subunit; plus strand). Cytogenetic location: 17q25.3.
Variant type: single nucleotide variant.
Coding change: c.1989+5G>A on transcript NM_017950.4 (MANE Select); 5 bases into the intron after coding-DNA position 1989, G replaced by A.
Molecular consequence: intron variant.
Genome position (GRCh38, 1-based): chr17:80,082,063, G>A. VCF-style: chr17-80082063-G-A. GRCh37 (hg19) VCF-style: chr17-78055862-G-A.
Other names: c.1989+5G>A (NM_001243342.2).
Identifiers: ClinVar variation 2151794 (VCV002151794.2), dbSNP rs771945655, ClinGen allele CA8814068.